The following is an entry in ClinVar:

ClinVar aggregate classification (germline): Uncertain significance (1 of 4 stars; one submission).

Allele frequency attached by ClinVar (database versions not stated): TOPMed below 0.00001; gnomAD 0.00001.

Submission:

GeneDx
Classification: Uncertain significance. Last evaluated: 2021-12-30. Review status: criteria provided, single submitter. Criteria: GeneDx Variant Classification Process June 2021. Collection method: clinical testing. Allele origin: germline. Affected: yes.
Comment: In silico analysis supports that this missense variant does not alter protein structure/function; Has not been previously published as pathogenic or benign to our knowledge

NM_003060.4(SLC22A5):c.229G>A (p.Val77Met)

Gene: SLC22A5 (solute carrier family 22 member 5; plus strand). Cytogenetic location: 5q31.1.
Variant type: single nucleotide variant.
Coding change: c.229G>A on transcript NM_003060.4 (MANE Select); coding-DNA position 229, G replaced by A.
Protein change: p.Val77Met; replaces valine 77 with methionine.
Molecular consequence: missense variant.
Genome position (GRCh38, 1-based): chr5:132,370,201, G>A. VCF-style: chr5-132370201-G-A. GRCh37 (hg19) VCF-style: chr5-131705893-G-A.
Other names: c.229G>A, p.Val77Met (NM_001308122.2); short protein forms V77M.
Identifiers: ClinVar variation 1693398 (VCV001693398.2), dbSNP rs1202810961, ClinGen allele CA360802630.